The following is an entry in ClinVar:

ClinVar aggregate classification (germline): Likely benign (1 of 4 stars; one submission).

gnomAD v4.1: 3,977 of 1,611,976 alleles (0.25%); highest among the groups gnomAD compares: Middle Eastern, 1.3%; 13 homozygotes.

Submission:

CeGaT Center for Human Genetics Tuebingen
Classification: Likely benign. Last evaluated: 2026-08-01. Review status: criteria provided, single submitter. Criteria: CeGaT Center For Human Genetics Tuebingen Variant Classification Criteria Version 2. Collection method: clinical testing. Allele origin: germline. Affected: yes. Observed: 10 variant alleles.
Comment: PPID: BP4, BP7

NM_005038.3(PPID):c.1077T>C (p.Asp359=)

Gene: PPID (peptidylprolyl isomerase D; minus strand). Cytogenetic location: 4q32.1.
Variant type: single nucleotide variant.
Coding change: c.1077T>C on transcript NM_005038.3 (MANE Select); coding-DNA position 1077, T replaced by C.
Protein change: p.Asp359=; no amino-acid change (aspartic acid 359 retained).
Molecular consequence: synonymous variant.
Genome position (GRCh38, 1-based): chr4:158,709,772, A>G on the plus strand (T>C on the coding strand, the complement: PPID is on the minus strand). VCF-style: chr4-158709772-A-G. GRCh37 (hg19) VCF-style: chr4-159630924-A-G.
Identifiers: ClinVar variation 3341521 (VCV003341521.16).